The following is an entry in ClinVar:

ClinVar aggregate classification (germline): Uncertain significance (1 of 4 stars; one submission).

Allele frequency attached by ClinVar (database versions not stated): gnomAD exomes below 0.00001; gnomAD 0.00002; ExAC 0.00003; TOPMed 0.00005; 1000 Genomes Project 0.00020; 1000 Genomes Project 30x 0.00031.
gnomAD v4.1: 6 of 1,613,916 alleles (0.00037%); highest among the groups gnomAD compares: African/African-American, 0.0053%; no homozygotes.

Submission:

Ambry Genetics
Classification: Uncertain significance. Last evaluated: 2020-10-21. Review status: criteria provided, single submitter. Criteria: Ambry Variant Classification Scheme 2023. Collection method: clinical testing. Allele origin: germline.
Comment: The c.3589A>G (p.M1197V) alteration is located in exon 26 (coding exon 26) of the KIAA1109 gene. This alteration results from an A to G substitution at nucleotide position 3589, causing the methionine (M) at amino acid position 1197 to be replaced by a valine (V). Based on data from the Genome Aggregation Database (gnomAD) database, the KIAA1109 c.3589A>G alteration was observed in <0.01% (3/249116) of total alleles studied, with a frequency of 0.01% (2/15478) in the African subpopulation. This amino acid position is poorly conserved in available vertebrate species. The p.M1197V alteration is predicted to be tolerated by in silico analysis. Based on insufficient or conflicting evidence, the clinical significance of this alteration remains unclear.

NM_001384125.1(BLTP1):c.3589A>G (p.Met1197Val)

Gene: BLTP1 (bridge-like lipid transfer protein family member 1; plus strand). Cytogenetic location: 4q27.
Variant type: single nucleotide variant.
Coding change: c.3589A>G on transcript NM_001384125.1 (MANE Select); coding-DNA position 3589, A replaced by G.
Protein change: p.Met1197Val; replaces methionine 1197 with valine.
Molecular consequence: missense variant.
Genome position (GRCh38, 1-based): chr4:122,238,106, A>G. VCF-style: chr4-122238106-A-G. GRCh37 (hg19) VCF-style: chr4-123159261-A-G.
Other names: c.3589A>G, p.Met1197Val (NM_015312.4); short protein forms M1197V.
Identifiers: ClinVar variation 3134194 (VCV003134194.1), dbSNP rs562839482, ClinGen allele CA3066200.